The following is an entry in ClinVar:

ClinVar aggregate classification (germline): Conflicting classifications of pathogenicity. Review status: criteria provided, conflicting classifications (1 of 4 stars). 5 submissions from 5 submitters: Uncertain significance (1); Likely benign (3). 1 of the submissions does not count toward it. Last evaluated 2025-05-21.

Conditions:
CREBBP-related disorder. Also called: CREBBP-related condition; CREBBP-related disorders.
Rubinstein-Taybi syndrome (RSTS). Identifiers: Orphanet 783, MedGen C0035934, MONDO:0019188.
Inborn genetic diseases. Identifiers: MedGen C0950123, MeSH D030342.

Allele frequency attached by ClinVar (database versions not stated): ExAC 0.00001; TOPMed 0.00001; gnomAD exomes 0.00002 and 0.00004; gnomAD 0.00003 and 0.00004.
gnomAD v4.1: 39 of 1,614,142 alleles (0.0024%); highest among the groups gnomAD compares: Admixed American, 0.0067%; no homozygotes.

Submissions (5):

Labcorp Genetics (formerly Invitae), Labcorp
Classification: Likely benign for Rubinstein-Taybi syndrome. Last evaluated: 2025-05-21. Review status: criteria provided, single submitter. Criteria: Invitae Variant Classification Sherloc (09022015). Collection method: clinical testing. Allele origin: germline.

Blueprint Genetics
Classification: Likely benign. Last evaluated: 2024-07-08. Review status: criteria provided, single submitter. Criteria: ACMG Guidelines, 2015. Collection method: clinical testing. Allele origin: germline.

Ambry Genetics
Classification: Likely benign for Inborn genetic diseases. Last evaluated: 2017-05-31. Review status: criteria provided, single submitter. Criteria: Ambry Variant Classification Scheme 2023. Collection method: clinical testing. Allele origin: germline.

Eurofins Ntd Llc (ga)
Classification: Uncertain significance. Last evaluated: 2015-03-31. Review status: criteria provided, single submitter. Criteria: EGL Classification Definitions 2015. Collection method: clinical testing. Allele origin: germline. Observed: 1 variant allele, 1 heterozygote.

PreventionGenetics, part of Exact Sciences
Classification: Likely benign for CREBBP-related condition. Last evaluated: 2023-03-27. Review status: no assertion criteria provided. Collection method: clinical testing. Allele origin: germline. Not counted in ClinVar's aggregate classification.
Comment: This variant is classified as likely benign based on ACMG/AMP sequence variant interpretation guidelines (Richards et al. 2015 PMID: 25741868, with internal and published modifications).

NM_004380.3(CREBBP):c.1275T>C (p.His425=)

Gene: CREBBP (CREB binding lysine acetyltransferase; minus strand). Cytogenetic location: 16p13.3.
Variant type: single nucleotide variant.
Coding change: c.1275T>C on transcript NM_004380.3 (MANE Select); coding-DNA position 1275, T replaced by C.
Protein change: p.His425=; no amino-acid change (histidine 425 retained).
Molecular consequence: synonymous variant. On other transcripts: intron variant (1).
Genome position (GRCh38, 1-based): chr16:3,792,036, A>G on the plus strand (T>C on the coding strand, the complement: CREBBP is on the minus strand). VCF-style: chr16-3792036-A-G. GRCh37 (hg19) VCF-style: chr16-3842037-A-G.
Other names: c.1216+1350T>C (NM_001079846.1).
Identifiers: ClinVar variation 197763 (VCV000197763.14), dbSNP rs758886547, ClinGen allele CA246083.
Genomic context (GRCh38, chr16:3,792,036, plus strand): 5'-CTTACTTTGTTGGTTTCGCTTGTCACTGGCATTTTTCAAAGGGAGGCAAACAGGACAGTC[A>G]TGTCGTGTGCAGTTCTTCCAATGAGAGATGATTTGTCGTGAAGATGCACAATGGGCAACT-3'
Protein context (NP_004371.2, residues 415-435): IISHWKNCTR[His425=]DCPVCLPLKN